The following is an entry in ClinVar:

ClinVar aggregate classification (germline): Uncertain significance (1 of 4 stars; one submission).

Submission:

CeGaT Center for Human Genetics Tuebingen
Classification: Uncertain significance. Last evaluated: 2025-11-01. Review status: criteria provided, single submitter. Criteria: CeGaT Center For Human Genetics Tuebingen Variant Classification Criteria Version 2. Collection method: clinical testing. Allele origin: germline. Affected: yes. Observed: 1 variant allele.
Comment: CDC42BPB: PM2, PP2

NM_006035.4(CDC42BPB):c.1048A>G (p.Ile350Val)

Gene: CDC42BPB (CDC42 binding protein kinase beta; minus strand). Cytogenetic location: 14q32.32.
Variant type: single nucleotide variant.
Coding change: c.1048A>G on transcript NM_006035.4 (MANE Select); coding-DNA position 1048, A replaced by G.
Protein change: p.Ile350Val; replaces isoleucine 350 with valine.
Molecular consequence: missense variant.
Genome position (GRCh38, 1-based): chr14:102,980,865, T>C on the plus strand (A>G on the coding strand, the complement: CDC42BPB is on the minus strand). VCF-style: chr14-102980865-T-C. GRCh37 (hg19) VCF-style: chr14-103447202-T-C.
Other names: c.1048A>G, p.Ile350Val (NM_001411054.1); short protein forms I350V.
Identifiers: ClinVar variation 4681805 (VCV004681805.5).